The following is an entry in ClinVar:

NM_001040142.2(SCN2A):c.2672T>A (p.Ile891Asn)

Gene: SCN2A (sodium voltage-gated channel alpha subunit 2; plus strand). Cytogenetic location: 2q24.3.
Variant type: single nucleotide variant.
Coding change: c.2672T>A on transcript NM_001040142.2 (MANE Select); coding-DNA position 2672, T replaced by A.
Protein change: p.Ile891Asn; replaces isoleucine 891 with asparagine.
Molecular consequence: missense variant.
Genome position (GRCh38, 1-based): chr2:165,344,664, T>A. VCF-style: chr2-165344664-T-A. GRCh37 (hg19) VCF-style: chr2-166201174-T-A.
Other names: c.2672T>A, p.Ile891Asn (NM_001040143.2, NM_001371246.1, NM_001371247.1 and 1 more transcripts); short protein forms I891N.
Identifiers: ClinVar variation 1690541 (VCV001690541.2), dbSNP rs2105318815, ClinGen allele CA349014329.

ClinVar aggregate classification (germline): Uncertain significance (1 of 4 stars; one submission).

Submission:

Laboratorio de Genetica e Diagnostico Molecular, Hospital Israelita Albert Einstein
Classification: Uncertain significance. Last evaluated: 2022-01-07. Review status: criteria provided, single submitter. Criteria: ACMG Guidelines, 2015. Collection method: clinical testing. Allele origin: germline. Affected: yes.
Comment: ACMG classification criteria: PM2, PM5, PP3